The following is an entry in ClinVar:

ClinVar aggregate classification (germline): Benign. Review status: criteria provided, multiple submitters, no conflicts (2 of 4 stars). 3 submissions from 3 submitters: Benign (3). Last evaluated 2021-07-01.

Conditions:
Familial dysautonomia. Also called: HSAN III; FD. Identifiers: Orphanet 1764, MedGen C0013364, MONDO:0009131, OMIM 223900. Disease mechanism: loss of function.

Allele frequency attached by ClinVar (database versions not stated): gnomAD exomes 0.33504; ExAC 0.34089; ESP Exome Variant Server 0.39889; gnomAD 0.39991 and 0.40638; TOPMed 0.41444; 1000 Genomes Project 0.43211; 1000 Genomes Project 30x 0.43738.

Submissions (3):

Genome-Nilou Lab
Classification: Benign for Familial dysautonomia. Last evaluated: 2021-07-01. Review status: criteria provided, single submitter. Criteria: ACMG Guidelines, 2015. Collection method: clinical testing. Allele origin: germline. Affected: no.

GeneDx
Classification: Benign. Last evaluated: 2018-06-19. Review status: criteria provided, single submitter. Criteria: GeneDx Variant Classification (06012015). Collection method: clinical testing. Allele origin: germline. Affected: yes.
Comment: This variant is considered likely benign or benign based on one or more of the following criteria: it is a conservative change, it occurs at a poorly conserved position in the protein, it is predicted to be benign by multiple in silico algorithms, and/or has population frequency not consistent with disease.

Breakthrough Genomics
Classification: Benign. Review status: criteria provided, single submitter. Criteria: ACMG Guidelines, 2015. Collection method: not provided. Allele origin: germline. Inheritance: Autosomal recessive inheritance. Affected: yes.

NM_003640.5(ELP1):c.3160+23T>C

Gene: ELP1 (elongator acetyltransferase complex subunit 1; minus strand). Cytogenetic location: 9q31.3.
Variant type: single nucleotide variant.
Coding change: c.3160+23T>C on transcript NM_003640.5 (MANE Select); 23 bases into the intron after coding-DNA position 3160, T replaced by C.
Molecular consequence: intron variant.
Genome position (GRCh38, 1-based): chr9:108,891,180, A>G on the plus strand (T>C on the coding strand, the complement: ELP1 is on the minus strand). VCF-style: chr9-108891180-A-G. GRCh37 (hg19) VCF-style: chr9-111653460-A-G.
Other names: c.2818+23T>C (NM_001318360.2); c.2113+23T>C (NM_001330749.2).
Identifiers: ClinVar variation 673445 (VCV000673445.5), dbSNP rs3737309, ClinGen allele CA5174422.